The following is an entry in ClinVar:

ClinVar aggregate classification (germline): Likely pathogenic (1 of 4 stars; one submission).

Conditions:
3M syndrome 1. Also called: 3-M Syndrome, CUL7-Related. Identifiers: Orphanet 2616, MedGen C2678312, MONDO:0010117, OMIM 273750.

Submission:

3billion
Classification: Likely pathogenic for 3M syndrome 1. Last evaluated: 2024-09-11. Review status: criteria provided, single submitter. Criteria: ACMG Guidelines, 2015. Collection method: clinical testing. Allele origin: germline. Affected: yes.
Comment: The variant is not observed in the gnomAD v4.0.0 dataset. Predicted Consequence/Location: Frameshift: predicted to result in a loss or disruption of normal protein function through nonsense-mediated decay (NMD) or protein truncation. Multiple pathogenic variants are reported downstream of the variant. Therefore, this variant is classified as Likely pathogenic according to the recommendation of ACMG/AMP guideline.

NM_014780.5(CUL7):c.3147del (p.Val1050fs)

Gene: CUL7 (cullin 7; minus strand). Cytogenetic location: 6p21.1.
Variant type: Deletion.
Coding change: c.3147del on transcript NM_014780.5 (MANE Select); coding-DNA position 3147, one base deleted (C; older notation c.3147delC).
Protein change: p.Val1050fs; shifts the reading frame from valine 1050.
Molecular consequence: frameshift variant.
Genome position (GRCh38, 1-based): chr6:43,044,777, G deleted on the plus strand (C on the coding strand, the reverse complement: CUL7 is on the minus strand); the first of 4 consecutive G bases (chr6:43,044,777-43,044,780); deleting any one gives the same sequence. VCF-style (leftmost placement, unchanged base first): chr6-43044776-CG-C. GRCh37 (hg19) VCF-style: chr6-43012514-CG-C.
Other names: c.3243del, p.Val1082fs (NM_001168370.2, NM_001374872.1); c.3147del, p.Val1050fs (NM_001374873.1, NM_001374874.1); short protein forms V1050fs, V1082fs.
Identifiers: ClinVar variation 4293355 (VCV004293355.1).